The following is an entry in ClinVar:

ClinVar aggregate classification (germline): Uncertain significance (1 of 4 stars; one submission).

Conditions:
Malignant hyperthermia, susceptibility to, 1 (MHS1). Also called: Anesthesia related hyperthermia; Malignant hyperpyrexia; Fulminating hyperpyrexia; Pharmacogenic myopathy; RYR1-Related Malignant Hyperthermia Susceptibility; Malignant hyperthermia suceptibility 1. Identifiers: Orphanet 423, MedGen C2930980, MONDO:0007783, OMIM 145600.

Submission:

All of Us Research Program, National Institutes of Health
Classification: Uncertain significance for Malignant hyperthermia, susceptibility to, 1. Last evaluated: 2024-05-30. Review status: criteria provided, single submitter. Criteria: ACMG Guidelines, 2015. Collection method: clinical testing. Allele origin: germline. Inheritance: Autosomal dominant inheritance. Observed: 1 variant allele, 1 heterozygote.
Comment: This missense variant replaces alanine with threonine at codon 1806 of the RYR1 protein. Computational prediction suggests that this variant may not impact protein structure and function (internally defined REVEL score threshold <= 0.5, PMID: 27666373). To our knowledge, functional studies have not been reported for this variant. This variant has not been reported in individuals affected with RYR1-related disorders in the literature. This variant has not been identified in the general population by the Genome Aggregation Database (gnomAD). The available evidence is insufficient to determine the role of this variant in disease conclusively. Therefore, this variant is classified as a Variant of Uncertain Significance.

This study involves interpretation of variants in research participants for the purpose of population health screening. Participant phenotype was not available at the time of variant classification. Additional details can be found in publication PMID: 35346344, PMCID: PMC8962531

NM_000540.3(RYR1):c.5416G>A (p.Ala1806Thr)

Gene: RYR1 (ryanodine receptor 1; plus strand). Cytogenetic location: 19q13.2.
Variant type: single nucleotide variant.
Coding change: c.5416G>A on transcript NM_000540.3 (MANE Select); coding-DNA position 5416, G replaced by A.
Protein change: p.Ala1806Thr; replaces alanine 1806 with threonine.
Molecular consequence: missense variant.
Genome position (GRCh38, 1-based): chr19:38,486,071, G>A. VCF-style: chr19-38486071-G-A. GRCh37 (hg19) VCF-style: chr19-38976711-G-A.
Other names: c.5416G>A, p.Ala1806Thr (NM_001042723.2); short protein forms A1806T.
Identifiers: ClinVar variation 3387738 (VCV003387738.1).